The following is an entry in ClinVar:

ClinVar aggregate classification (germline): Likely benign. Review status: criteria provided, multiple submitters, no conflicts (2 of 4 stars). 3 submissions from 3 submitters: Likely benign (2). 1 of the submissions does not count toward it. Last evaluated 2023-10-13.

Conditions:
ABCA1-related disorder. Also called: ABCA1-related condition; ABCA1-related disorders. Identifiers: MedGen CN239173.
Cardiovascular phenotype. Identifiers: MedGen CN230736.

Allele frequency attached by ClinVar (database versions not stated): ExAC 0.00002; gnomAD 0.00002; TOPMed 0.00005; gnomAD exomes 0.00009.
gnomAD v4.1: 131 of 1,614,102 alleles (0.0081%); highest among the groups gnomAD compares: Non-Finnish European, 0.01%; no homozygotes.

Submissions (3):

Labcorp Genetics (formerly Invitae), Labcorp
Classification: Likely benign. Last evaluated: 2023-10-13. Review status: criteria provided, single submitter. Criteria: Invitae Variant Classification Sherloc (09022015). Collection method: clinical testing. Allele origin: germline.

Ambry Genetics
Classification: Likely benign for Cardiovascular phenotype. Last evaluated: 2019-09-09. Review status: criteria provided, single submitter. Criteria: Ambry Variant Classification Scheme 2023. Collection method: clinical testing. Allele origin: germline.

PreventionGenetics, part of Exact Sciences
Classification: Likely benign for ABCA1-related condition. Last evaluated: 2020-10-05. Review status: no assertion criteria provided. Collection method: clinical testing. Allele origin: germline. Not counted in ClinVar's aggregate classification.
Comment: This variant is classified as likely benign based on ACMG/AMP sequence variant interpretation guidelines (Richards et al. 2015 PMID: 25741868, with internal and published modifications).

NM_005502.4(ABCA1):c.1353G>A (p.Gln451=)

Gene: ABCA1 (ATP binding cassette subfamily A member 1; minus strand). Cytogenetic location: 9q31.1.
Variant type: single nucleotide variant.
Coding change: c.1353G>A on transcript NM_005502.4 (MANE Select); coding-DNA position 1353, G replaced by A.
Protein change: p.Gln451=; no amino-acid change (glutamine 451 retained).
Molecular consequence: synonymous variant.
Genome position (GRCh38, 1-based): chr9:104,832,730, C>T on the plus strand (G>A on the coding strand, the complement: ABCA1 is on the minus strand). VCF-style: chr9-104832730-C-T. GRCh37 (hg19) VCF-style: chr9-107595011-C-T.
Identifiers: ClinVar variation 1770654 (VCV001770654.9), dbSNP rs753506300, ClinGen allele CA5169037.